The following is an entry in ClinVar:

ClinVar aggregate classification (germline): Uncertain significance (1 of 4 stars; one submission).

Conditions:
Idiopathic generalized epilepsy. Also called: EIG; Generalised epilepsy. Identifiers: MedGen C0270850, MONDO:0005579, OMIM 600669.
Hyperaldosteronism, familial, type IV (HALD4). Also called: FH IV; ALDOSTERONISM, PRIMARY, AND HYPERTENSION. Identifiers: Orphanet 642671, MedGen C4310756, MONDO:0014875, OMIM 617027.

Submission:

Labcorp Genetics (formerly Invitae), Labcorp
Classification: Uncertain significance for Idiopathic generalized epilepsy; Hyperaldosteronism, familial, type IV. Last evaluated: 2025-10-06. Review status: criteria provided, single submitter. Criteria: Invitae Variant Classification Sherloc (09022015). Collection method: clinical testing. Allele origin: germline.
Comment: This sequence change falls in intron 32 of the CACNA1H gene. It does not directly change the encoded amino acid sequence of the CACNA1H protein. It affects a nucleotide within the consensus splice site. This variant is not present in population databases (gnomAD no frequency). This variant has not been reported in the literature in individuals affected with CACNA1H-related conditions. Variants that disrupt the consensus splice site are a relatively common cause of aberrant splicing (PMID: 17576681, 9536098). Algorithms developed to predict the effect of sequence changes on RNA splicing suggest that this variant is not likely to affect RNA splicing. In summary, the available evidence is currently insufficient to determine the role of this variant in disease. Therefore, it has been classified as a Variant of Uncertain Significance.

Literature cited by the submitters: PubMed 17576681; PubMed 9536098.

NM_021098.3(CACNA1H):c.5446-3C>T

Gene: CACNA1H (calcium voltage-gated channel subunit alpha1 H; plus strand). Cytogenetic location: 16p13.3.
Variant type: single nucleotide variant.
Coding change: c.5446-3C>T on transcript NM_021098.3 (MANE Select); 3 bases into the intron before coding-DNA position 5446, C replaced by T.
Molecular consequence: intron variant.
Genome position (GRCh38, 1-based): chr16:1,218,207, C>T. VCF-style: chr16-1218207-C-T. GRCh37 (hg19) VCF-style: chr16-1268207-C-T.
Other names: c.5428-3C>T (NM_001005407.2).
Identifiers: ClinVar variation 4792306 (VCV004792306.1).